The following is an entry in ClinVar:

NM_019098.5(CNGB3):c.991-1_992del

Gene: CNGB3 (cyclic nucleotide gated channel subunit beta 3; minus strand). Cytogenetic location: 8q21.3.
Variant type: Deletion.
Coding change: c.991-1_992del on transcript NM_019098.5 (MANE Select); the canonical splice acceptor site of the intron before coding-DNA position 991 through coding-DNA position 992, 3 bases deleted (GTA; older notation c.991-1_992delGTA).
Molecular consequence: splice acceptor variant.
Genome position (GRCh38, 1-based): chr8:86,644,685-86,644,687, TAC deleted on the plus strand (GTA on the coding strand, the reverse complement: CNGB3 is on the minus strand); deleting any 3 consecutive bases within chr8:86,644,685-86,644,689 gives the same sequence; the c. name uses the placement nearest the transcript's 3' end. VCF-style (leftmost placement, unchanged base first): chr8-86644684-GTAC-G. GRCh37 (hg19) VCF-style: chr8-87656912-GTAC-G.
Other names: c.991-1_992delGTA (NM_019098.4).
Identifiers: ClinVar variation 1525933 (VCV001525933.7), dbSNP rs755733512, ClinGen allele CA4800183.

ClinVar aggregate classification (germline): Likely pathogenic. Review status: criteria provided, multiple submitters, no conflicts (2 of 4 stars). 2 submissions from 2 submitters: Likely pathogenic (2). Last evaluated 2024-08-29.

Conditions:
Achromatopsia. Also called: Rod monochromatism. Identifiers: Orphanet 49382, MedGen C0152200, MONDO:0018852, HP:0011516.

Submissions (2):

Natera, Inc.
Classification: Likely pathogenic for Achromatopsia. Last evaluated: 2024-08-29. Review status: criteria provided, single submitter. Criteria: Natera Variant Classification Schema (03/2026). Collection method: clinical testing. Allele origin: germline.
Comment: The c.991-1_992delGTA variant in CNGB3 is a canonical splice acceptor site variant predicted to affect pre-mRNA splicing, which may result in an abnormal transcript and altered protein product. This variant is expected to result in nonsense mediated decay, truncation, or a dysfunctional protein product. This variant is rare in the general population with a frequency below the threshold expected for the associated phenotype(s). Given the available evidence, this variant is classified as Likely Pathogenic.

Labcorp Genetics (formerly Invitae), Labcorp
Classification: Likely pathogenic. Last evaluated: 2021-10-10. Review status: criteria provided, single submitter. Criteria: Invitae Variant Classification Sherloc (09022015). Collection method: clinical testing. Allele origin: germline.
Comment: In summary, the currently available evidence indicates that the variant is pathogenic, but additional data are needed to prove that conclusively. Therefore, this variant has been classified as Likely Pathogenic. Algorithms developed to predict the effect of sequence changes on RNA splicing suggest that this variant may disrupt the consensus splice site. This variant is also known as c.991-3delTAG. Disruption of this splice site has been observed in individual(s) with achromatopsia (PMID: 32856788). This variant is present in population databases (rs755733512, ExAC 0.02%). This sequence change affects a splice site in intron 8 of the CNGB3 gene. It is expected to disrupt RNA splicing. Variants that disrupt the donor or acceptor splice site typically lead to a loss of protein function (PMID: 16199547), and loss-of-function variants in CNGB3 are known to be pathogenic (PMID: 28795510).

Literature cited by the submitters: PubMed 32856788 (cited by Labcorp Genetics (formerly Invitae), Labcorp); PubMed 16199547 (cited by Labcorp Genetics (formerly Invitae), Labcorp); PubMed 28795510 (cited by Labcorp Genetics (formerly Invitae), Labcorp).